The following is an entry in ClinVar:

ClinVar aggregate classification (germline): Uncertain significance (1 of 4 stars; one submission).

Allele frequency attached by ClinVar (database versions not stated): gnomAD exomes below 0.00001; TOPMed 0.00001.
gnomAD v4.1: 1 of 1,613,946 alleles (0.000062%); highest among the groups gnomAD compares: Non-Finnish European, 0.000085%; no homozygotes.

Submission:

Labcorp Genetics (formerly Invitae), Labcorp
Classification: Uncertain significance. Last evaluated: 2023-10-13. Review status: criteria provided, single submitter. Criteria: Invitae Variant Classification Sherloc (09022015). Collection method: clinical testing. Allele origin: germline.
Comment: This sequence change replaces tyrosine, which is neutral and polar, with cysteine, which is neutral and slightly polar, at codon 637 of the OPA1 protein (p.Tyr637Cys). This variant is not present in population databases (gnomAD no frequency). This variant has not been reported in the literature in individuals affected with OPA1-related conditions. Advanced modeling of protein sequence and biophysical properties (such as structural, functional, and spatial information, amino acid conservation, physicochemical variation, residue mobility, and thermodynamic stability) performed at Invitae indicates that this missense variant is expected to disrupt OPA1 protein function. In summary, the available evidence is currently insufficient to determine the role of this variant in disease. Therefore, it has been classified as a Variant of Uncertain Significance.

NM_130837.3(OPA1):c.2075A>G (p.Tyr692Cys)

Gene: OPA1 (OPA1 mitochondrial dynamin like GTPase; plus strand). Cytogenetic location: 3q29.
Variant type: single nucleotide variant.
Coding change: c.2075A>G on transcript NM_130837.3 (MANE Select); coding-DNA position 2075, A replaced by G.
Protein change: p.Tyr692Cys; replaces tyrosine 692 with cysteine.
Molecular consequence: missense variant.
Genome position (GRCh38, 1-based): chr3:193,654,924, A>G. VCF-style: chr3-193654924-A-G. GRCh37 (hg19) VCF-style: chr3-193372713-A-G.
Other names: c.1541A>G, p.Tyr514Cys (NM_001354663.2); c.1538A>G, p.Tyr513Cys (NM_001354664.2); c.1910A>G, p.Tyr637Cys (NM_015560.3); c.1802A>G, p.Tyr601Cys (NM_130831.3); c.1856A>G, p.Tyr619Cys (NM_130832.3); c.1913A>G, p.Tyr638Cys (NM_130833.3); c.1964A>G, p.Tyr655Cys (NM_130834.3); c.1967A>G, p.Tyr656Cys (NM_130835.3); and 1 more; short protein forms Y601C, Y637C, Y513C, Y655C, Y656C, Y674C, Y514C, Y619C.
Identifiers: ClinVar variation 2768018 (VCV002768018.3), dbSNP rs1207347731, ClinGen allele CA355791106.